The following is an entry in ClinVar:

NM_006618.5(KDM5B):c.1797T>C (p.Ala599=)

Gene: KDM5B (lysine demethylase 5B; minus strand). Cytogenetic location: 1q32.1.
Variant type: single nucleotide variant.
Coding change: c.1797T>C on transcript NM_006618.5 (MANE Select); coding-DNA position 1797, T replaced by C.
Protein change: p.Ala599=; no amino-acid change (alanine 599 retained).
Molecular consequence: synonymous variant.
Genome position (GRCh38, 1-based): chr1:202,750,683, A>G on the plus strand (T>C on the coding strand, the complement: KDM5B is on the minus strand). VCF-style: chr1-202750683-A-G. GRCh37 (hg19) VCF-style: chr1-202719811-A-G.
Other names: c.1905T>C, p.Ala635= (NM_001314042.2); c.1662T>C, p.Ala554= (NM_001347591.2); c.1782T>C, p.Ala594= (NM_001399817.1).
Identifiers: ClinVar variation 3239266 (VCV003239266.19), dbSNP rs779754863.

ClinVar aggregate classification (germline): Likely benign (1 of 4 stars; one submission).

Allele frequency attached by ClinVar (database versions not stated): TOPMed below 0.00001; gnomAD exomes 0.00001; gnomAD 0.00003; ExAC 0.00007.
gnomAD v4.1: 25 of 1,613,978 alleles (0.0015%); highest among the groups gnomAD compares: East Asian, 0.025%; no homozygotes.

Submission:

CeGaT Center for Human Genetics Tuebingen
Classification: Likely benign. Last evaluated: 2024-05-01. Review status: criteria provided, single submitter. Criteria: CeGaT Center For Human Genetics Tuebingen Variant Classification Criteria Version 2. Collection method: clinical testing. Allele origin: germline. Affected: yes. Observed: 1 variant allele.
Comment: KDM5B: BP4, BP7